The following is an entry in ClinVar:

NM_000252.3(MTM1):c.1201G>T (p.Glu401Ter)

Gene: MTM1 (myotubularin 1; plus strand). Cytogenetic location: Xq28.
Variant type: single nucleotide variant.
Coding change: c.1201G>T on transcript NM_000252.3 (MANE Select); coding-DNA position 1201, G replaced by T.
Protein change: p.Glu401Ter; replaces glutamic acid 401 with a stop codon.
Molecular consequence: nonsense.
Genome position (GRCh38, 1-based): chrX:150,657,968, G>T. VCF-style: chrX-150657968-G-T. GRCh37 (hg19) VCF-style: chrX-149826441-G-T.
Other names: c.1201G>T, p.Glu401Ter (NM_001376906.1, NM_001376908.1); c.1090G>T, p.Glu364Ter (NM_001376907.1); short protein forms E364*, E401*.
Identifiers: ClinVar variation 984257 (VCV000984257.3), dbSNP rs2040152185, ClinGen allele CA415258734.

ClinVar aggregate classification (germline): Likely pathogenic (1 of 4 stars; one submission).

Conditions:
Severe X-linked myotubular myopathy (CNMX). Also called: MYOTUBULAR MYOPATHY 1; X-linked centronuclear myopathy; Myotubular myopathy, X-linked. Identifiers: Orphanet 596, MedGen C0410203, MONDO:0010683, OMIM 310400.

Submission:

Myriad Genetics, Inc.
Classification: Likely pathogenic for Severe X-linked myotubular myopathy. Last evaluated: 2019-12-04. Review status: criteria provided, single submitter. Criteria: Myriad Women's Health Autosomal Recessive and X-Linked Classification Criteria (2019). Collection method: clinical testing. Allele origin: unknown.
Comment: NM_000252.2(MTM1):c.1201G>T(E401*) is expected to be pathogenic in the context of X-linked myotubular myopathy. This variant is predicted to lead to an abnormal or absent protein product due to the creation of a premature termination codon in MTM1, a gene where loss-of-function variants are known to be pathogenic. Please note: this variant was assessed in the context of healthy population screening.